The following is an entry in ClinVar:

NM_007373.4(SHOC2):c.743A>G (p.Asn248Ser)

Gene: SHOC2 (SHOC2 leucine rich repeat scaffold protein; plus strand). Cytogenetic location: 10q25.2.
Variant type: single nucleotide variant.
Coding change: c.743A>G on transcript NM_007373.4 (MANE Select); coding-DNA position 743, A replaced by G.
Protein change: p.Asn248Ser; replaces asparagine 248 with serine.
Molecular consequence: missense variant. On other transcripts: non-coding transcript variant (1), intron variant (1).
Genome position (GRCh38, 1-based): chr10:110,985,667, A>G. VCF-style: chr10-110985667-A-G. GRCh37 (hg19) VCF-style: chr10-112745425-A-G.
Other names: c.743A>G, p.Asn248Ser (NM_001324336.2, NM_001324337.2); c.704-14748A>G (NM_001269039.3); short protein forms N248S.
Identifiers: ClinVar variation 1352714 (VCV001352714.12), dbSNP rs374067666, ClinGen allele CA297178.

ClinVar aggregate classification (germline): Uncertain significance. Review status: criteria provided, multiple submitters, no conflicts (2 of 4 stars). 3 submissions from 3 submitters: Uncertain significance (3). Last evaluated 2026-01-14.

Conditions:
RASopathy. Also called: Noonan spectrum disorder; rasopathies. Identifiers: Orphanet 536391, MedGen C5555857, MONDO:0021060.
Cardiovascular phenotype. Identifiers: MedGen CN230736.
Noonan syndrome-like disorder with loose anagen hair 1 (NSLH1). Also called: MAZZANTI SYNDROME; TOSTI SYNDROME. Identifiers: Orphanet 2701, MedGen C4478716, MONDO:0054637, OMIM 607721.

Allele frequency attached by ClinVar (database versions not stated): ExAC 0.00001; gnomAD 0.00001; gnomAD exomes 0.00001; ESP Exome Variant Server 0.00015.

Submissions (3):

Labcorp Genetics (formerly Invitae), Labcorp
Classification: Uncertain significance for RASopathy. Last evaluated: 2026-01-14. Review status: criteria provided, single submitter. Criteria: Invitae Variant Classification Sherloc (09022015). Collection method: clinical testing. Allele origin: germline.
Comment: This sequence change replaces asparagine, which is neutral and polar, with serine, which is neutral and polar, at codon 248 of the SHOC2 protein (p.Asn248Ser). This variant is present in population databases (rs374067666, gnomAD 0.003%). This variant has not been reported in the literature in individuals affected with SHOC2-related conditions. ClinVar contains an entry for this variant (Variation ID: 1352714). Invitae Evidence Modeling of protein sequence and biophysical properties (such as structural, functional, and spatial information, amino acid conservation, physicochemical variation, residue mobility, and thermodynamic stability) has been performed for this missense variant. However, the output from this modeling did not meet the statistical confidence thresholds required to predict the impact of this variant on SHOC2 protein function. In summary, the available evidence is currently insufficient to determine the role of this variant in disease. Therefore, it has been classified as a Variant of Uncertain Significance.

Ambry Genetics
Classification: Uncertain significance for Cardiovascular phenotype. Last evaluated: 2025-01-27. Review status: criteria provided, single submitter. Criteria: Ambry Variant Classification Scheme 2023. Collection method: clinical testing. Allele origin: germline.
Comment: The p.N248S variant (also known as c.743A>G), located in coding exon 2 of the SHOC2 gene, results from an A to G substitution at nucleotide position 743. The asparagine at codon 248 is replaced by serine, an amino acid with highly similar properties. This amino acid position is conserved. In addition, the in silico prediction for this alteration is inconclusive. Since supporting evidence is limited at this time, the clinical significance of this alteration remains unclear.

Clinical Genomics Laboratory, Washington University in St. Louis
Classification: Uncertain significance for Noonan syndrome-like disorder with loose anagen hair 1. Last evaluated: 2024-04-08. Review status: criteria provided, single submitter. Criteria: ACMG Guidelines, 2015. Collection method: clinical testing. Allele origin: germline.
Comment: The SHOC2 c.743A>G (p.Asn248Ser) variant was identified at a near heterozygous allelic fraction of 49%, a frequency which may be consistent with germline origin. To our knowledge, this variant has not been reported in the medical literature and is only observed on 19/1,612,284 alleles in the general population (gnomAD v.4.0.0), indicating it is not a common variant. This variant has been reported in the ClinVar database as a germline variant of uncertain significance by two submitters (ClinVar ID: 1352714). The SHOC2 gene is defined by the ClinGen RASopathy expert panel as a gene that has a low rate of benign missense variation and where pathogenic missense variants are a common mechanism of disease (Gelb BD, et al., PMID: 29493581). Computational predictors indicate that the variant is damaging, evidence that correlates with impact on SHOC2 function. Due to limited information and based on ACMG/AMP guidelines for variant interpretation (Richards S et al., PMID: 25741868) and gene-specific practices from the ClinGen Criteria Specification Registry, the clinical significance of this variant is uncertain at this time.